The following is an entry in ClinVar:

NM_000143.4(FH):c.105G>A (p.Ser35=)

Gene: FH (fumarate hydratase; minus strand). Cytogenetic location: 1q43.
Variant type: single nucleotide variant.
Coding change: c.105G>A on transcript NM_000143.4 (MANE Select); coding-DNA position 105, G replaced by A.
Protein change: p.Ser35=; no amino-acid change (serine 35 retained).
Molecular consequence: synonymous variant.
Genome position (GRCh38, 1-based): chr1:241,519,618, C>T on the plus strand (G>A on the coding strand, the complement: FH is on the minus strand). VCF-style: chr1-241519618-C-T. GRCh37 (hg19) VCF-style: chr1-241682918-C-T.
Other names: p.Ser35=.
Identifiers: ClinVar variation 142038 (VCV000142038.53), dbSNP rs181655698, ClinGen allele CA167212.

ClinVar aggregate classification (germline): Benign/Likely benign. Review status: criteria provided, multiple submitters, no conflicts (2 of 4 stars). 16 submissions from 15 submitters: Benign (10); Likely benign (6). Last evaluated 2026-09-01.

Conditions:
Fumarase deficiency (FMRD). Also called: Fumarate Hydratase Deficiency; Fumaric aciduria. Identifiers: Orphanet 24, MedGen C0342770, MONDO:0011730, OMIM 606812.
Hereditary leiomyomatosis and renal cell cancer. Also called: LEIOMYOMA, MULTIPLE CUTANEOUS; Familial leiomyomatosis; FH tumor predisposition syndrome; Reed syndrome; Multiple cutaneous and uterine leiomyomatosis; Cutaneous leiomyomata with uterine leiomyomata. Identifiers: Orphanet 523, MedGen C1708350, MONDO:0007888, OMIM 150800, HP:0007437. Disease mechanism: loss of function.
Hereditary cancer-predisposing syndrome. Also called: Neoplastic Syndromes, Hereditary; Tumor predisposition; Hereditary neoplastic syndrome; Hereditary Cancer Syndrome. Identifiers: Orphanet 140162, MedGen C0027672, MeSH D009386, MONDO:0015356.

Allele frequency attached by ClinVar (database versions not stated): gnomAD exomes 0.00066; ExAC 0.00090; ESP Exome Variant Server 0.00331; 1000 Genomes Project 0.00399; TOPMed 0.00405; 1000 Genomes Project 30x 0.00422.
gnomAD v4.1: 965 of 1,547,768 alleles (0.062%); highest among the groups gnomAD compares: African/African-American, 1.2%; 4 homozygotes.

Submissions (16):

CeGaT Center for Human Genetics Tuebingen
Classification: Likely benign. Last evaluated: 2026-09-01. Review status: criteria provided, single submitter. Criteria: CeGaT Center For Human Genetics Tuebingen Variant Classification Criteria Version 2. Collection method: clinical testing. Allele origin: germline. Affected: yes. Observed: 3 variant alleles.
Comment: FH: BP4, BP7, BS1

Labcorp Genetics (formerly Invitae), Labcorp
Classification: Benign. Last evaluated: 2026-02-04. Review status: criteria provided, single submitter. Criteria: Invitae Variant Classification Sherloc (09022015). Collection method: clinical testing. Allele origin: germline.

Quest Diagnostics Nichols Institute San Juan Capistrano
Classification: Benign. Last evaluated: 2025-07-17. Review status: criteria provided, single submitter. Criteria: Quest Diagnostics criteria. Collection method: clinical testing. Allele origin: unknown.

Women's Health and Genetics/Laboratory Corporation of America, LabCorp
Classification: Benign. Last evaluated: 2025-07-10. Review status: criteria provided, single submitter. Criteria: LabCorp Variant Classification Summary - May 2015. Collection method: clinical testing. Allele origin: germline.

Mayo Clinic Laboratories, Mayo Clinic
Classification: Likely benign. Last evaluated: 2025-06-26. Review status: criteria provided, single submitter. Criteria: ACMG Guidelines, 2015. Collection method: clinical testing. Allele origin: germline. Observed: 3 variant alleles.
Comment: BA1

Hereditary Cancer Laboratory, Hospital Universitario 12 de Octubre
Classification: Benign for Hereditary cancer-predisposing syndrome. Last evaluated: 2025-03-18. Review status: criteria provided, single submitter. Criteria: ACMG Guidelines, 2015. Collection method: clinical testing. Allele origin: germline.
Comment: BS1+BP4+BP6+BP7

Center for Genomic Medicine, Rigshospitalet, Copenhagen University Hospital
Classification: Benign. Last evaluated: 2025-03-04. Review status: criteria provided, single submitter. Criteria: ACMG Guidelines, 2015. Collection method: clinical testing. Allele origin: germline.

Myriad Genetics, Inc.
Classification: Benign for Hereditary leiomyomatosis and renal cell cancer. Last evaluated: 2024-10-17. Review status: criteria provided, single submitter. Criteria: Myriad Autosomal Dominant, Autosomal Recessive and X-Linked Classification Criteria (2023). Collection method: clinical testing. Allele origin: unknown.
Comment: This variant is considered benign. This variant is a silent/synonymous amino acid change and it is not expected to impact splicing.

Blueprint Genetics
Classification: Likely benign. Last evaluated: 2024-10-11. Review status: criteria provided, single submitter. Criteria: ACMG Guidelines, 2015. Collection method: clinical testing. Allele origin: germline.

KCCC/NGS Laboratory, Kuwait Cancer Control Center
Classification: Benign for Hereditary leiomyomatosis and renal cell cancer. Last evaluated: 2023-07-07. Review status: criteria provided, single submitter. Criteria: ACMG Guidelines, 2015. Collection method: clinical testing. Allele origin: germline. Affected: yes.

Department of Pathology and Laboratory Medicine, Sinai Health System
Classification: Likely benign for Hereditary leiomyomatosis and renal cell cancer; Fumarase deficiency. Last evaluated: 2023-06-09. Review status: criteria provided, single submitter. Criteria: ACMG Guidelines, 2015. Collection method: clinical testing. Allele origin: germline. Affected: no.

Illumina Laboratory Services, Illumina
Classification: Benign for Hereditary leiomyomatosis and renal cell cancer. Last evaluated: 2018-01-12. Review status: criteria provided, single submitter. Criteria: ICSL Variant Classification Criteria 13 December 2019. Collection method: clinical testing. Allele origin: germline.
Comment: This variant was observed in the ICSL laboratory as part of a predisposition screen in an ostensibly healthy population. It had not been previously curated by ICSL or reported in the Human Gene Mutation Database (HGMD: prior to June 1st, 2018), and was therefore a candidate for classification through an automated scoring system. Utilizing variant allele frequency, disease prevalence and penetrance estimates, and inheritance mode, an automated score was calculated to assess if this variant is too frequent to cause the disease. Based on the score and internal cut-off values, a variant classified as benign is not then subjected to further curation. The score for this variant resulted in a classification of benign for this disease.

Illumina Laboratory Services, Illumina
Classification: Likely benign for Fumarase deficiency. Last evaluated: 2018-01-12. Review status: criteria provided, single submitter. Criteria: ICSL Variant Classification Criteria 13 December 2019. Collection method: clinical testing. Allele origin: germline.
Comment: This variant was observed in the ICSL laboratory as part of a predisposition screen in an ostensibly healthy population. It had not been previously curated by ICSL or reported in the Human Gene Mutation Database (HGMD: prior to June 1st, 2018), and was therefore a candidate for classification through an automated scoring system. Utilizing variant allele frequency, disease prevalence and penetrance estimates, and inheritance mode, an automated score was calculated to assess if this variant is too frequent to cause the disease. Based on the score and internal cut-off values, a variant classified as likely benign is not then subjected to further curation. The score for this variant resulted in a classification of likely benign for this disease.

GeneDx
Classification: Benign. Last evaluated: 2015-09-14. Review status: criteria provided, single submitter. Criteria: GeneDx Variant Classification (06012015). Collection method: clinical testing. Allele origin: germline. Affected: yes.
Comment: This variant is considered likely benign or benign based on one or more of the following criteria: it is a conservative change, it occurs at a poorly conserved position in the protein, it is predicted to be benign by multiple in silico algorithms, and/or has population frequency not consistent with disease.

Ambry Genetics
Classification: Benign for Hereditary cancer-predisposing syndrome. Last evaluated: 2015-03-16. Review status: criteria provided, single submitter. Criteria: Ambry Variant Classification Scheme 2023. Collection method: clinical testing. Allele origin: germline.

Breakthrough Genomics
Classification: Likely benign. Review status: criteria provided, single submitter. Criteria: ACMG Guidelines, 2015. Collection method: not provided. Allele origin: germline. Inheritance: Autosomal recessive inheritance. Affected: yes.